The following is an entry in ClinVar:

ClinVar aggregate classification (germline): Pathogenic (1 of 4 stars; one submission).

Submission:

CeGaT Center for Human Genetics Tuebingen
Classification: Pathogenic. Last evaluated: 2025-06-01. Review status: criteria provided, single submitter. Criteria: CeGaT Center For Human Genetics Tuebingen Variant Classification Criteria Version 2. Collection method: clinical testing. Allele origin: germline. Affected: yes. Observed: 2 variant alleles.
Comment: UPF3B: PVS1, PM2, PS2:Moderate, PS4:Supporting

NM_080632.3(UPF3B):c.1149_1150del (p.Lys384fs)

Gene: UPF3B (UPF3B regulator of nonsense mediated mRNA decay; minus strand). Cytogenetic location: Xq24.
Variant type: Microsatellite.
Coding change: c.1149_1150del on transcript NM_080632.3 (MANE Select); coding-DNA positions 1149 to 1150, 2 bases deleted (GA; older notation c.1149_1150delGA).
Protein change: p.Lys384fs; shifts the reading frame from lysine 384.
Molecular consequence: frameshift variant.
Genome position (GRCh38, 1-based): chrX:119,837,909-119,837,910, TC deleted on the plus strand (GA on the coding strand, the reverse complement: UPF3B is on the minus strand); deleting any 2 consecutive bases within chrX:119,837,909-119,837,913 gives the same sequence; the c. name uses the placement nearest the transcript's 3' end. VCF-style (leftmost placement, unchanged base first): chrX-119837908-TTC-T. GRCh37 (hg19) VCF-style: chrX-118971871-TTC-T.
Other names: c.1110_1111del, p.Lys371fs (NM_023010.4); short protein forms K371fs, K384fs.
Identifiers: ClinVar variation 871633 (VCV000871633.41), dbSNP rs2056117839, ClinGen allele CA1139667773.
Genomic context (GRCh38, chrX:119,837,908, plus strand): 5'-CCTTTATCCCGAAGTGTGTCTTTCTCTTTTTTCATTTCTTCTTCTTTTCTCTTAAAAGTC[TTC>T]TCTTTCTCATAGCGCTCCTTCTGCCTACGGCGCTCTTCTTCTTGCCGCTTCAGCCTCTCT-3'